The following is an entry in ClinVar:

ClinVar aggregate classification (germline): Benign. Review status: criteria provided, multiple submitters, no conflicts (2 of 4 stars). 2 submissions from 2 submitters: Benign (2). Last evaluated 2018-06-19.

Allele frequency attached by ClinVar (database versions not stated): gnomAD 0.01889 and 0.02030; TOPMed 0.02158; 1000 Genomes Project 0.02296; 1000 Genomes Project 30x 0.02530.
gnomAD v4.1: 2,838 of 152,030 alleles (1.9%); highest among the groups gnomAD compares: African/African-American, 6.5%; 65 homozygotes.

Submissions (2):

GeneDx
Classification: Benign. Last evaluated: 2018-06-19. Review status: criteria provided, single submitter. Criteria: GeneDx Variant Classification (06012015). Collection method: clinical testing. Allele origin: germline. Affected: yes.
Comment: This variant is considered likely benign or benign based on one or more of the following criteria: it is a conservative change, it occurs at a poorly conserved position in the protein, it is predicted to be benign by multiple in silico algorithms, and/or has population frequency not consistent with disease.

Breakthrough Genomics
Classification: Benign. Review status: criteria provided, single submitter. Criteria: ACMG Guidelines, 2015. Collection method: not provided. Allele origin: germline. Inheritance: Autosomal dominant inheritance. Affected: yes.

NM_001005242.3(PKP2):c.1378+177T>A

Gene: PKP2 (plakophilin 2; minus strand). Cytogenetic location: 12p11.21.
Variant type: single nucleotide variant.
Coding change: c.1378+177T>A on transcript NM_001005242.3 (MANE Select); 177 bases into the intron after coding-DNA position 1378, T replaced by A.
Molecular consequence: intron variant.
Genome position (GRCh38, 1-based): chr12:32,850,589, A>T on the plus strand (T>A on the coding strand, the complement: PKP2 is on the minus strand). VCF-style: chr12-32850589-A-T. GRCh37 (hg19) VCF-style: chr12-33003523-A-T.
Other names: c.1378+177T>A (NM_004572.4).
Identifiers: ClinVar variation 675300 (VCV000675300.2), dbSNP rs73303639, ClinGen allele CA235255051.